The following is an entry in ClinVar:

ClinVar aggregate classification (germline): Uncertain significance. Review status: criteria provided, multiple submitters, no conflicts (2 of 4 stars). 2 submissions from 2 submitters: Uncertain significance (2). Last evaluated 2026-03-19.

Conditions:
Inborn genetic diseases. Identifiers: MedGen C0950123, MeSH D030342.

Allele frequency attached by ClinVar (database versions not stated): TOPMed below 0.00001; gnomAD exomes below 0.00001.
gnomAD v4.1: 1 of 1,614,002 alleles (0.000062%); highest among the groups gnomAD compares: Admixed American, 0.0017%; no homozygotes.

Submissions (2):

Ambry Genetics
Classification: Uncertain significance for Inborn genetic diseases. Last evaluated: 2026-03-19. Review status: criteria provided, single submitter. Criteria: Ambry Variant Classification Scheme 2023. Collection method: clinical testing. Allele origin: germline.

Labcorp Genetics (formerly Invitae), Labcorp
Classification: Uncertain significance. Last evaluated: 2022-04-02. Review status: criteria provided, single submitter. Criteria: Invitae Variant Classification Sherloc (09022015). Collection method: clinical testing. Allele origin: germline.
Comment: In summary, the available evidence is currently insufficient to determine the role of this variant in disease. Therefore, it has been classified as a Variant of Uncertain Significance. Algorithms developed to predict the effect of missense changes on protein structure and function are either unavailable or do not agree on the potential impact of this missense change (SIFT: "Deleterious"; PolyPhen-2: "Possibly Damaging"; Align-GVGD: "Class C0"). This variant has not been reported in the literature in individuals affected with FAT1-related conditions. This variant is present in population databases (no rsID available, gnomAD 0.003%). This sequence change replaces isoleucine, which is neutral and non-polar, with methionine, which is neutral and non-polar, at codon 2229 of the FAT1 protein (p.Ile2229Met).

NM_005245.4(FAT1):c.6687T>G (p.Ile2229Met)

Gene: FAT1 (FAT atypical cadherin 1; minus strand). Cytogenetic location: 4q35.2.
Variant type: single nucleotide variant.
Coding change: c.6687T>G on transcript NM_005245.4 (MANE Select); coding-DNA position 6687, T replaced by G.
Protein change: p.Ile2229Met; replaces isoleucine 2229 with methionine.
Molecular consequence: missense variant.
Genome position (GRCh38, 1-based): chr4:186,619,899, A>C on the plus strand (T>G on the coding strand, the complement: FAT1 is on the minus strand). VCF-style: chr4-186619899-A-C. GRCh37 (hg19) VCF-style: chr4-187541053-A-C.
Other names: c.6687T>G (NM_005245.3); short protein forms I2229M.
Identifiers: ClinVar variation 1937665 (VCV001937665.6), dbSNP rs1388822592, ClinGen allele CA358967839.